The following is an entry in ClinVar:

ClinVar aggregate classification (germline): Likely benign (1 of 4 stars; one submission).

Submission:

CeGaT Center for Human Genetics Tuebingen
Classification: Likely benign. Last evaluated: 2026-03-01. Review status: criteria provided, single submitter. Criteria: CeGaT Center For Human Genetics Tuebingen Variant Classification Criteria Version 2. Collection method: clinical testing. Allele origin: germline. Affected: yes. Observed: 1 variant allele.
Comment: FLG: BP4

NM_002016.2(FLG):c.9838G>C (p.Glu3280Gln)

Genes: CCDST (cervical cancer associated DHX9 suppressive transcript; plus strand), FLG (filaggrin; minus strand). Cytogenetic location: 1q21.3.
Variant type: single nucleotide variant.
Coding change: c.9838G>C on transcript NM_002016.2 (MANE Select); coding-DNA position 9838, G replaced by C.
Protein change: p.Glu3280Gln; replaces glutamic acid 3280 with glutamine.
Molecular consequence: missense variant.
Genome position (GRCh38, 1-based): chr1:152,305,048, C>G on the plus strand (G>C on the coding strand, the complement: FLG is on the minus strand). VCF-style: chr1-152305048-C-G. GRCh37 (hg19) VCF-style: chr1-152277524-C-G.
Other names: short protein forms E3280Q.
Identifiers: ClinVar variation 4820944 (VCV004820944.4).
Genomic context (GRCh38, chr1:152,305,048, plus strand): 5'-CTCCTGGACTTGATCTTGCCTGTTCATGGGATGATGCAGCCTGTCCACCAGAGGAAGTCT[C>G]TGCGTGACGAGTGCCTGATTGTCTGGAGCGGTCTGCAGAGTGCCCGTGACCGGCTCTGTC-3'
Protein context (NP_002007.1, residues 3270-3290): RSRQSGTRHA[Glu3280Gln]TSSGGQAASS